The following is an entry in ClinVar:

ClinVar aggregate classification (germline): Uncertain significance (1 of 4 stars; one submission).

Conditions:
Familial cancer of breast. Also called: BREAST CANCER, FAMILIAL; hereditary breast carcinoma; Hereditary breast cancer. Identifiers: Orphanet 227535, MedGen C0346153, MONDO:0016419, OMIM 114480. Disease mechanism: loss of function.

Submission:

Labcorp Genetics (formerly Invitae), Labcorp
Classification: Uncertain significance for Familial cancer of breast. Last evaluated: 2023-04-07. Review status: criteria provided, single submitter. Criteria: Invitae Variant Classification Sherloc (09022015). Collection method: clinical testing. Allele origin: germline.
Comment: This variant is not present in population databases (gnomAD no frequency). This sequence change replaces leucine, which is neutral and non-polar, with glutamine, which is neutral and polar, at codon 204 of the CHEK2 protein (p.Leu204Gln). This variant has not been reported in the literature in individuals affected with CHEK2-related conditions. In summary, the available evidence is currently insufficient to determine the role of this variant in disease. Therefore, it has been classified as a Variant of Uncertain Significance. RNA analysis provides insufficient evidence to determine the effect of this variant on CHEK2 splicing (Invitae) An algorithm developed to predict the effect of missense changes on protein structure and function (PolyPhen-2) suggests that this variant is likely to be disruptive.

NM_007194.4(CHEK2):c.611T>A (p.Leu204Gln)

Gene: CHEK2 (checkpoint kinase 2; minus strand). Cytogenetic location: 22q12.1.
Variant type: single nucleotide variant.
Coding change: c.611T>A on transcript NM_007194.4 (MANE Select); coding-DNA position 611, T replaced by A.
Protein change: p.Leu204Gln; replaces leucine 204 with glutamine.
Molecular consequence: missense variant. On other transcripts: 5 prime UTR variant (2), intron variant (1).
Genome position (GRCh38, 1-based): chr22:28,719,467, A>T on the plus strand (T>A on the coding strand, the complement: CHEK2 is on the minus strand). VCF-style: chr22-28719467-A-T. GRCh37 (hg19) VCF-style: chr22-29115455-A-T.
Other names: c.740T>A, p.Leu247Gln (NM_001005735.3, NM_001438294.1); c.-53T>A (NM_001257387.3, NM_001437942.1); c.704T>A, p.Leu235Gln (NM_001438293.1, NM_001438295.1); c.611T>A, p.Leu204Gln (NM_145862.3); c.482+5419T>A (NM_001349956.3); short protein forms L204Q, L247Q, L235Q.
Identifiers: ClinVar variation 2853105 (VCV002853105.3), dbSNP rs1569150113, ClinGen allele CA411105122.